The following is an entry in ClinVar:

ClinVar aggregate classification (germline): Uncertain significance (1 of 4 stars; one submission).

Conditions:
Cardiovascular phenotype. Identifiers: MedGen CN230736.

Submission:

Ambry Genetics
Classification: Uncertain significance for Cardiovascular phenotype. Last evaluated: 2021-05-22. Review status: criteria provided, single submitter. Criteria: Ambry Variant Classification Scheme 2023. Collection method: clinical testing. Allele origin: germline.
Comment: The p.A415S variant (also known as c.1243G>T), located in coding exon 3 of the JPH2 gene, results from a G to T substitution at nucleotide position 1243. The alanine at codon 415 is replaced by serine, an amino acid with similar properties. This amino acid position is highly conserved in available vertebrate species. In addition, the in silico prediction for this alteration is inconclusive. Since supporting evidence is limited at this time, the clinical significance of this alteration remains unclear.

NM_020433.5(JPH2):c.1243G>T (p.Ala415Ser)

Gene: JPH2 (junctophilin 2; minus strand). Cytogenetic location: 20q13.12.
Variant type: single nucleotide variant.
Coding change: c.1243G>T on transcript NM_020433.5 (MANE Select); coding-DNA position 1243, G replaced by T.
Protein change: p.Ala415Ser; replaces alanine 415 with serine.
Molecular consequence: missense variant.
Genome position (GRCh38, 1-based): chr20:44,118,550, C>A on the plus strand (G>T on the coding strand, the complement: JPH2 is on the minus strand). VCF-style: chr20-44118550-C-A. GRCh37 (hg19) VCF-style: chr20-42747190-C-A.
Other names: short protein forms A415S.
Identifiers: ClinVar variation 1758975 (VCV001758975.2), dbSNP rs1214632905, ClinGen allele CA409101748.